The following is an entry in ClinVar:

ClinVar aggregate classification (germline): Conflicting classifications of pathogenicity. Review status: criteria provided, conflicting classifications (1 of 4 stars). 2 submissions from 2 submitters: Uncertain significance (1); Benign (1). Last evaluated 2024-11-24.

Conditions:
Hereditary nonpolyposis colorectal neoplasms. Identifiers: MedGen C0009405, MeSH D003123.
Hereditary cancer-predisposing syndrome. Also called: Hereditary Cancer Syndrome; Hereditary neoplastic syndrome; Neoplastic Syndromes, Hereditary; Tumor predisposition. Identifiers: Orphanet 140162, MedGen C0027672, MeSH D009386, MONDO:0015356.

Allele frequency attached by ClinVar (database versions not stated): gnomAD exomes below 0.00001; ExAC 0.00001; gnomAD 0.00001; TOPMed 0.00001.

Submissions (2):

Ambry Genetics
Classification: Uncertain significance for Hereditary cancer-predisposing syndrome. Last evaluated: 2024-11-24. Review status: criteria provided, single submitter. Criteria: Ambry Variant Classification Scheme 2023. Collection method: clinical testing. Allele origin: germline.
Comment: The p.A339P variant (also known as c.1015G>C), located in coding exon 4 of the MSH6 gene, results from a G to C substitution at nucleotide position 1015. The alanine at codon 339 is replaced by proline, an amino acid with highly similar properties. This amino acid position is conserved. In addition, the in silico prediction for this alteration is inconclusive. Based on the available evidence, the clinical significance of this variant remains unclear.

Labcorp Genetics (formerly Invitae), Labcorp
Classification: Benign for Hereditary nonpolyposis colorectal neoplasms. Last evaluated: 2022-12-06. Review status: criteria provided, single submitter. Criteria: Invitae Variant Classification Sherloc (09022015). Collection method: clinical testing. Allele origin: germline.

NM_000179.3(MSH6):c.1015G>C (p.Ala339Pro)

Gene: MSH6 (mutS homolog 6; plus strand). Cytogenetic location: 2p16.3.
Variant type: single nucleotide variant.
Coding change: c.1015G>C on transcript NM_000179.3 (MANE Select); coding-DNA position 1015, G replaced by C.
Protein change: p.Ala339Pro; replaces alanine 339 with proline.
Molecular consequence: missense variant.
Genome position (GRCh38, 1-based): chr2:47,798,998, G>C. VCF-style: chr2-47798998-G-C. GRCh37 (hg19) VCF-style: chr2-48026137-G-C.
Other names: c.625G>C, p.Ala209Pro (NM_001281492.2); c.109G>C, p.Ala37Pro (NM_001281493.2, NM_001281494.2); short protein forms A339P, A209P, A37P.
Identifiers: ClinVar variation 455108 (VCV000455108.10), dbSNP rs772760681, ClinGen allele CA067026.